The following is an entry in ClinVar:

ClinVar aggregate classification (germline): Uncertain significance (1 of 4 stars; one submission).

Conditions:
Hereditary cancer-predisposing syndrome. Also called: Tumor predisposition; Hereditary Cancer Syndrome; Neoplastic Syndromes, Hereditary; Hereditary neoplastic syndrome. Identifiers: Orphanet 140162, MedGen C0027672, MeSH D009386, MONDO:0015356.

Submission:

Ambry Genetics
Classification: Uncertain significance for Hereditary cancer-predisposing syndrome. Last evaluated: 2022-07-01. Review status: criteria provided, single submitter. Criteria: Ambry Variant Classification Scheme 2023. Collection method: clinical testing. Allele origin: germline.
Comment: The p.R865G variant (also known as c.2593C>G), located in coding exon 18 of the BRIP1 gene, results from a C to G substitution at nucleotide position 2593. The arginine at codon 865 is replaced by glycine, an amino acid with dissimilar properties. This amino acid position is conserved. In addition, this alteration is predicted to be deleterious by in silico analysis. Since supporting evidence is limited at this time, the clinical significance of this alteration remains unclear.

NM_032043.3(BRIP1):c.2593C>G (p.Arg865Gly)

Gene: BRIP1 (BRCA1 interacting DNA helicase 1; minus strand). Cytogenetic location: 17q23.2.
Variant type: single nucleotide variant.
Coding change: c.2593C>G on transcript NM_032043.3 (MANE Select); coding-DNA position 2593, C replaced by G.
Protein change: p.Arg865Gly; replaces arginine 865 with glycine.
Molecular consequence: missense variant.
Genome position (GRCh38, 1-based): chr17:61,686,148, G>C on the plus strand (C>G on the coding strand, the complement: BRIP1 is on the minus strand). VCF-style: chr17-61686148-G-C. GRCh37 (hg19) VCF-style: chr17-59763509-G-C.
Other names: short protein forms R865G.
Identifiers: ClinVar variation 1793547 (VCV001793547.2), dbSNP rs578022079, ClinGen allele CA400481983.